The following is an entry in ClinVar:

ClinVar aggregate classification (germline): Uncertain significance (1 of 4 stars; one submission).

Conditions:
Kabuki syndrome 2 (KABUK2). Also called: KDM6A-Related Kabuki Syndrome. Identifiers: Orphanet 2322, MedGen C3275495, MONDO:0010465, OMIM 300867.

Submission:

Labcorp Genetics (formerly Invitae), Labcorp
Classification: Uncertain significance for Kabuki syndrome 2. Last evaluated: 2024-12-03. Review status: criteria provided, single submitter. Criteria: Invitae Variant Classification Sherloc (09022015). Collection method: clinical testing. Allele origin: germline.
Comment: This sequence change replaces threonine, which is neutral and polar, with serine, which is neutral and polar, at codon 986 of the KDM6A protein (p.Thr986Ser). This variant is not present in population databases (gnomAD no frequency). This variant has not been reported in the literature in individuals affected with KDM6A-related conditions. Invitae Evidence Modeling of protein sequence and biophysical properties (such as structural, functional, and spatial information, amino acid conservation, physicochemical variation, residue mobility, and thermodynamic stability) has been performed for this missense variant. However, the output from this modeling did not meet the statistical confidence thresholds required to predict the impact of this variant on KDM6A protein function. In summary, the available evidence is currently insufficient to determine the role of this variant in disease. Therefore, it has been classified as a Variant of Uncertain Significance.

NM_001291415.2(KDM6A):c.3112A>T (p.Thr1038Ser)

Gene: KDM6A (lysine demethylase 6A; plus strand). Cytogenetic location: Xp11.3.
Variant type: single nucleotide variant.
Coding change: c.3112A>T on transcript NM_001291415.2 (MANE Select); coding-DNA position 3112, A replaced by T.
Protein change: p.Thr1038Ser; replaces threonine 1038 with serine.
Molecular consequence: missense variant. On other transcripts: non-coding transcript variant (1).
Genome position (GRCh38, 1-based): chrX:45,079,163, A>T. VCF-style: chrX-45079163-A-T. GRCh37 (hg19) VCF-style: chrX-44938408-A-T.
Other names: c.3112A>T, p.Thr1038Ser (NM_001419809.1); c.3010A>T, p.Thr1004Ser (NM_001419810.1, NM_001419813.1); c.2977A>T, p.Thr993Ser (NM_001419811.1, NM_001291416.2); c.2956A>T, p.Thr986Ser (NM_001419812.1, NM_021140.4); c.2854A>T, p.Thr952Ser (NM_001419814.1, NM_001410742.1); c.2719A>T, p.Thr907Ser (NM_001419815.1, NM_001291418.2); c.2821A>T, p.Thr941Ser (NM_001291417.2); c.2068A>T, p.Thr690Ser (NM_001291421.2); short protein forms T690S, T986S, T993S, T952S, T1004S, T1038S, T907S, T941S.
Identifiers: ClinVar variation 3707444 (VCV003707444.2).